The following is an entry in ClinVar:

NM_000088.4(COL1A1):c.3754C>A (p.Arg1252Ser)

Gene: COL1A1 (collagen type I alpha 1 chain; minus strand). Cytogenetic location: 17q21.33.
Variant type: single nucleotide variant.
Coding change: c.3754C>A on transcript NM_000088.4 (MANE Select); coding-DNA position 3754, C replaced by A.
Protein change: p.Arg1252Ser; replaces arginine 1252 with serine.
Molecular consequence: missense variant.
Genome position (GRCh38, 1-based): chr17:50,186,700, G>T on the plus strand (C>A on the coding strand, the complement: COL1A1 is on the minus strand). VCF-style: chr17-50186700-G-T. GRCh37 (hg19) VCF-style: chr17-48264061-G-T.
Other names: short protein forms R1252S.
Identifiers: ClinVar variation 526865 (VCV000526865.9), dbSNP rs781614679, ClinGen allele CA400196435.

ClinVar aggregate classification (germline): Uncertain significance (1 of 4 stars; one submission).

Conditions:
Osteogenesis imperfecta type I (OI1). Also called: Osteogenesis imperfecta type 1; OI, TYPE I; OSTEOGENESIS IMPERFECTA TARDA; OSTEOGENESIS IMPERFECTA WITH BLUE SCLERAE; Lobstein's Disease; Lobstein disease. Identifiers: Orphanet 216796, Orphanet 666, MedGen C0023931, MONDO:0008146, OMIM 166200. Disease mechanism: loss of function.

gnomAD v4.1: 1 of 1,613,618 alleles (0.000062%); no homozygotes.

Submission:

Labcorp Genetics (formerly Invitae), Labcorp
Classification: Uncertain significance for Osteogenesis imperfecta type I. Last evaluated: 2017-09-30. Review status: criteria provided, single submitter. Criteria: Invitae Variant Classification Sherloc (09022015). Collection method: clinical testing. Allele origin: germline.
Comment: In summary, the available evidence is currently insufficient to determine the role of this variant in disease. Therefore, it has been classified as a Variant of Uncertain Significance. Algorithms developed to predict the effect of missense changes on protein structure and function (SIFT, PolyPhen-2, Align-GVGD) all suggest that this variant is likely to be tolerated, but these predictions have not been confirmed by published functional studies and their clinical significance is uncertain. This variant has not been reported in the literature in individuals with COL1A1-related disease. This variant is not present in population databases (ExAC no frequency). This sequence change replaces arginine with serine at codon 1252 of the COL1A1 protein (p.Arg1252Ser). The arginine residue is moderately conserved and there is a moderate physicochemical difference between arginine and serine.